The following is an entry in ClinVar:

NM_000334.4(SCN4A):c.1461C>T (p.Ala487=)

Gene: SCN4A (sodium voltage-gated channel alpha subunit 4; minus strand). Cytogenetic location: 17q23.3.
Variant type: single nucleotide variant.
Coding change: c.1461C>T on transcript NM_000334.4 (MANE Select); coding-DNA position 1461, C replaced by T.
Protein change: p.Ala487=; no amino-acid change (alanine 487 retained).
Molecular consequence: synonymous variant.
Genome position (GRCh38, 1-based): chr17:63,963,817, G>A on the plus strand (C>T on the coding strand, the complement: SCN4A is on the minus strand). VCF-style: chr17-63963817-G-A. GRCh37 (hg19) VCF-style: chr17-62041177-G-A.
Identifiers: ClinVar variation 805388 (VCV000805388.11), dbSNP rs541858248, ClinGen allele CA8709831.
Genomic context (GRCh38, chr17:63,963,817, plus strand): 5'-ATTGCAGTCTTTGCCATGGGCTGGGTCCCCATCTGCCTCCCCACCTTCCAGAGCTTGGGC[G>A]GCCTTGGCCTGTAGACCAGCAAGAGTGACTGGCAGGAAGTCCAGCTCTGAGCCAGAGGGA-3'
Protein context (NP_000325.4, residues 477-497): KHQEELEKAK[Ala487=]AQALEGGEAD

ClinVar aggregate classification (germline): Likely benign. Review status: criteria provided, multiple submitters, no conflicts (2 of 4 stars). 3 submissions from 3 submitters: Likely benign (3). Last evaluated 2025-10-26.

Conditions:
Hyperkalemic periodic paralysis. Also called: Familial hyperkalemic periodic paralysis; Gamstorp disease. Identifiers: Orphanet 682, MedGen C0238357, MONDO:0008224, OMIM 170500, HP:0007215.

Allele frequency attached by ClinVar (database versions not stated): gnomAD exomes 0.00001; gnomAD 0.00004 and 0.00005; ExAC 0.00005; TOPMed 0.00006; 1000 Genomes Project 30x 0.00016; 1000 Genomes Project 0.00020.

Submissions (3):

Labcorp Genetics (formerly Invitae), Labcorp
Classification: Likely benign for Hyperkalemic periodic paralysis. Last evaluated: 2025-10-26. Review status: criteria provided, single submitter. Criteria: Invitae Variant Classification Sherloc (09022015). Collection method: clinical testing. Allele origin: germline.

GeneDx
Classification: Likely benign. Last evaluated: 2018-12-19. Review status: criteria provided, single submitter. Criteria: GeneDx Variant Classification Process June 2021. Collection method: clinical testing. Allele origin: germline. Affected: yes.
Comment: See Variant Classification Assertion Criteria.

Athena Diagnostics
Classification: Likely benign. Last evaluated: 2018-11-19. Review status: criteria provided, single submitter. Criteria: Athena Diagnostics Criteria. Collection method: clinical testing. Allele origin: germline.